The following is an entry in ClinVar:

NM_052859.4(RFT1):c.280G>A (p.Val94Met)

Gene: RFT1 (RFT1 glycolipid translocator homolog; minus strand). Cytogenetic location: 3p21.1.
Variant type: single nucleotide variant.
Coding change: c.280G>A on transcript NM_052859.4 (MANE Select); coding-DNA position 280, G replaced by A.
Protein change: p.Val94Met; replaces valine 94 with methionine.
Molecular consequence: missense variant.
Genome position (GRCh38, 1-based): chr3:53,122,550, C>T on the plus strand (G>A on the coding strand, the complement: RFT1 is on the minus strand). VCF-style: chr3-53122550-C-T. GRCh37 (hg19) VCF-style: chr3-53156566-C-T.
Other names: short protein forms V94M.
Identifiers: ClinVar variation 1358381 (VCV001358381.3), dbSNP rs151030461, ClinGen allele CA2451484.

ClinVar aggregate classification (germline): Uncertain significance (1 of 4 stars; one submission).

Conditions:
RFT1-congenital disorder of glycosylation (CDG1N). Also called: Congenital disorder of glycosylation type In; CDG In; RFT1-CDG. Identifiers: Orphanet 244310, MedGen C2677590, MONDO:0012783, OMIM 612015.

Allele frequency attached by ClinVar (database versions not stated): ExAC 0.00002; gnomAD exomes 0.00004 and 0.00014; gnomAD 0.00005; TOPMed 0.00005; ESP Exome Variant Server 0.00008.
gnomAD v4.1: 213 of 1,609,920 alleles (0.013%); highest among the groups gnomAD compares: Non-Finnish European, 0.017%; no homozygotes.

Submission:

Labcorp Genetics (formerly Invitae), Labcorp
Classification: Uncertain significance for RFT1-congenital disorder of glycosylation. Last evaluated: 2022-10-17. Review status: criteria provided, single submitter. Criteria: Invitae Variant Classification Sherloc (09022015). Collection method: clinical testing. Allele origin: germline.
Comment: This sequence change replaces valine, which is neutral and non-polar, with methionine, which is neutral and non-polar, at codon 94 of the RFT1 protein (p.Val94Met). This variant is present in population databases (rs151030461, gnomAD 0.008%). This variant has not been reported in the literature in individuals affected with RFT1-related conditions. ClinVar contains an entry for this variant (Variation ID: 1358381). Advanced modeling of protein sequence and biophysical properties (such as structural, functional, and spatial information, amino acid conservation, physicochemical variation, residue mobility, and thermodynamic stability) performed at Invitae indicates that this missense variant is not expected to disrupt RFT1 protein function. In summary, the available evidence is currently insufficient to determine the role of this variant in disease. Therefore, it has been classified as a Variant of Uncertain Significance.